The following is an entry in ClinVar:

NM_001243925.2(MAPKAPK3):c.695T>G (p.Met232Arg)

Gene: MAPKAPK3 (MAPK activated protein kinase 3; plus strand). Cytogenetic location: 3p21.2.
Variant type: single nucleotide variant.
Coding change: c.695T>G on transcript NM_001243925.2 (MANE Select); coding-DNA position 695, T replaced by G.
Protein change: p.Met232Arg; replaces methionine 232 with arginine.
Molecular consequence: missense variant.
Genome position (GRCh38, 1-based): chr3:50,645,776, T>G. VCF-style: chr3-50645776-T-G. GRCh37 (hg19) VCF-style: chr3-50683207-T-G.
Other names: c.695T>G, p.Met232Arg (NM_001243926.2, NM_004635.5); short protein forms M232R.
Identifiers: ClinVar variation 1985342 (VCV001985342.4), dbSNP rs375875691, ClinGen allele CA2420333.

ClinVar aggregate classification (germline): Uncertain significance (1 of 4 stars; one submission).

Allele frequency attached by ClinVar (database versions not stated): gnomAD 0.00001; TOPMed 0.00001; ESP Exome Variant Server 0.00008.
gnomAD v4.1: 7 of 1,613,996 alleles (0.00043%); highest among the groups gnomAD compares: Non-Finnish European, 0.00059%; no homozygotes.

Submission:

Labcorp Genetics (formerly Invitae), Labcorp
Classification: Uncertain significance. Last evaluated: 2021-12-19. Review status: criteria provided, single submitter. Criteria: Invitae Variant Classification Sherloc (09022015). Collection method: clinical testing. Allele origin: germline.
Comment: In summary, the available evidence is currently insufficient to determine the role of this variant in disease. Therefore, it has been classified as a Variant of Uncertain Significance. Algorithms developed to predict the effect of sequence changes on RNA splicing suggest that this variant may create or strengthen a splice site. Algorithms developed to predict the effect of missense changes on protein structure and function are either unavailable or do not agree on the potential impact of this missense change (SIFT: "Deleterious"; PolyPhen-2: "Probably Damaging"; Align-GVGD: "Class C0"). This variant has not been reported in the literature in individuals affected with MAPKAPK3-related conditions. This variant is present in population databases (rs375875691, gnomAD 0.0009%). This sequence change replaces methionine, which is neutral and non-polar, with arginine, which is basic and polar, at codon 232 of the MAPKAPK3 protein (p.Met232Arg).